The following is an entry in ClinVar:

NM_032609.3(COX4I2):c.482G>T (p.Arg161Leu)

Gene: COX4I2 (cytochrome c oxidase subunit 4I2; plus strand). Cytogenetic location: 20q11.21.
Variant type: single nucleotide variant.
Coding change: c.482G>T on transcript NM_032609.3 (MANE Select); coding-DNA position 482, G replaced by T.
Protein change: p.Arg161Leu; replaces arginine 161 with leucine.
Molecular consequence: missense variant.
Genome position (GRCh38, 1-based): chr20:31,644,870, G>T. VCF-style: chr20-31644870-G-T. GRCh37 (hg19) VCF-style: chr20-30232673-G-T.
Other names: short protein forms R161L.
Identifiers: ClinVar variation 2188130 (VCV002188130.4), dbSNP rs11907253, ClinGen allele CA9802001.

ClinVar aggregate classification (germline): Uncertain significance (1 of 4 stars; one submission).

gnomAD v4.1: 42 of 1,613,926 alleles (0.0026%); highest among the groups gnomAD compares: East Asian, 0.051%; no homozygotes.

Submission:

Labcorp Genetics (formerly Invitae), Labcorp
Classification: Uncertain significance. Last evaluated: 2026-01-14. Review status: criteria provided, single submitter. Criteria: Invitae Variant Classification Sherloc (09022015). Collection method: clinical testing. Allele origin: germline.
Comment: This sequence change replaces arginine, which is basic and polar, with leucine, which is neutral and non-polar, at codon 161 of the COX4I2 protein (p.Arg161Leu). This variant is present in population databases (rs11907253, gnomAD 0.06%), and has an allele count higher than expected for a pathogenic variant. This variant has not been reported in the literature in individuals affected with COX4I2-related conditions. ClinVar contains an entry for this variant (Variation ID: 2188130). An algorithm developed to predict the effect of missense changes on protein structure and function (PolyPhen-2) suggests that this variant is likely to be tolerated. In summary, the available evidence is currently insufficient to determine the role of this variant in disease. Therefore, it has been classified as a Variant of Uncertain Significance.